The following is an entry in ClinVar:

ClinVar aggregate classification (germline): Uncertain significance. Review status: criteria provided, multiple submitters, no conflicts (2 of 4 stars). 2 submissions from 2 submitters: Uncertain significance (2). Last evaluated 2025-01-16.

Conditions:
Microcephaly 2, primary, autosomal recessive, with or without cortical malformations. Also called: MICROCEPHALY 2, PRIMARY, AUTOSOMAL RECESSIVE, WITH CORTICAL MALFORMATIONS; WDR62 Primary Microcephaly. Identifiers: Orphanet 2512, MedGen C1858535, MONDO:0011435, OMIM 604317.
Inborn genetic diseases. Identifiers: MedGen C0950123, MeSH D030342.

Allele frequency attached by ClinVar (database versions not stated): gnomAD exomes 0.00001.
gnomAD v4.1: 9 of 1,614,100 alleles (0.00056%); highest among the groups gnomAD compares: Middle Eastern, 0.016%; no homozygotes.

Submissions (2):

Ambry Genetics
Classification: Uncertain significance for Inborn genetic diseases. Last evaluated: 2025-01-16. Review status: criteria provided, single submitter. Criteria: Ambry Variant Classification Scheme 2023. Collection method: clinical testing. Allele origin: germline.

Baylor Genetics
Classification: Uncertain significance for Microcephaly 2, primary, autosomal recessive, with or without cortical malformations. Last evaluated: 2019-11-08. Review status: criteria provided, single submitter. Criteria: ACMG Guidelines, 2015. Collection method: clinical testing. Allele origin: unknown. Affected: yes.
Comment: This variant was determined to be of uncertain significance according to ACMG Guidelines, 2015 [PMID:25741868].

NM_001083961.2(WDR62):c.481G>A (p.Val161Met)

Gene: WDR62 (WD repeat domain 62; plus strand). Cytogenetic location: 19q13.12.
Variant type: single nucleotide variant.
Coding change: c.481G>A on transcript NM_001083961.2 (MANE Select); coding-DNA position 481, G replaced by A.
Protein change: p.Val161Met; replaces valine 161 with methionine.
Molecular consequence: missense variant.
Genome position (GRCh38, 1-based): chr19:36,066,347, G>A. VCF-style: chr19-36066347-G-A. GRCh37 (hg19) VCF-style: chr19-36557249-G-A.
Other names: c.481G>A, p.Val161Met (NM_173636.5); short protein forms V161M.
Identifiers: ClinVar variation 1030119 (VCV001030119.2), dbSNP rs1036466930, ClinGen allele CA307841179.